The following is an entry in ClinVar:

ClinVar aggregate classification (germline): Uncertain significance (1 of 4 stars; one submission).

Allele frequency attached by ClinVar (database versions not stated): gnomAD exomes 0.00001; TOPMed below 0.00001; ExAC 0.00002.
gnomAD v4.1: 12 of 1,614,264 alleles (0.00074%); highest among the groups gnomAD compares: East Asian, 0.022%; no homozygotes.

Submission:

Labcorp Genetics (formerly Invitae), Labcorp
Classification: Uncertain significance. Last evaluated: 2025-03-11. Review status: criteria provided, single submitter. Criteria: Invitae Variant Classification Sherloc (09022015). Collection method: clinical testing. Allele origin: germline.
Comment: This sequence change replaces valine, which is neutral and non-polar, with methionine, which is neutral and non-polar, at codon 234 of the LRRC10 protein (p.Val234Met). This variant is present in population databases (rs750529760, gnomAD 0.02%). This variant has not been reported in the literature in individuals affected with LRRC10-related conditions. ClinVar contains an entry for this variant (Variation ID: 2089383). An algorithm developed to predict the effect of missense changes on protein structure and function (PolyPhen-2) suggests that this variant is likely to be disruptive. In summary, the available evidence is currently insufficient to determine the role of this variant in disease. Therefore, it has been classified as a Variant of Uncertain Significance.

NM_201550.4(LRRC10):c.700G>A (p.Val234Met)

Gene: LRRC10 (leucine rich repeat containing 10; minus strand). Cytogenetic location: 12q15.
Variant type: single nucleotide variant.
Coding change: c.700G>A on transcript NM_201550.4 (MANE Select); coding-DNA position 700, G replaced by A.
Protein change: p.Val234Met; replaces valine 234 with methionine.
Molecular consequence: missense variant.
Genome position (GRCh38, 1-based): chr12:69,610,139, C>T on the plus strand (G>A on the coding strand, the complement: LRRC10 is on the minus strand). VCF-style: chr12-69610139-C-T. GRCh37 (hg19) VCF-style: chr12-70003919-C-T.
Other names: short protein forms V234M.
Identifiers: ClinVar variation 2089383 (VCV002089383.4), dbSNP rs750529760, ClinGen allele CA6681016.